The following is an entry in ClinVar:

ClinVar aggregate classification (germline): Benign/Likely benign. Review status: criteria provided, multiple submitters, no conflicts (2 of 4 stars). 6 submissions from 6 submitters: Benign (1); Likely benign (4). 1 of the submissions does not count toward it. Last evaluated 2025-12-26.

Conditions:
CLIC5-related disorder. Also called: CLIC5-related condition.

Allele frequency attached by ClinVar (database versions not stated): gnomAD exomes 0.00045; ExAC 0.00054; gnomAD 0.00169 and 0.00181; TOPMed 0.00190; 1000 Genomes Project 0.00200; 1000 Genomes Project 30x 0.00203; ESP Exome Variant Server 0.00231.
gnomAD v4.1: 504 of 1,607,058 alleles (0.031%); highest among the groups gnomAD compares: African/African-American, 0.59%; 1 homozygote.

Submissions (6):

Labcorp Genetics (formerly Invitae), Labcorp
Classification: Likely benign. Last evaluated: 2025-12-26. Review status: criteria provided, single submitter. Criteria: Invitae Variant Classification Sherloc (09022015). Collection method: clinical testing. Allele origin: germline.

Blueprint Genetics
Classification: Likely benign. Last evaluated: 2024-10-31. Review status: criteria provided, single submitter. Criteria: ACMG Guidelines, 2015. Collection method: clinical testing. Allele origin: germline.

CeGaT Center for Human Genetics Tuebingen
Classification: Likely benign. Last evaluated: 2024-07-01. Review status: criteria provided, single submitter. Criteria: CeGaT Center For Human Genetics Tuebingen Variant Classification Criteria Version 2. Collection method: clinical testing. Allele origin: germline. Affected: yes. Observed: 1 variant allele.
Comment: CLIC5: BP4, BS2

GeneDx
Classification: Benign. Last evaluated: 2018-08-10. Review status: criteria provided, single submitter. Criteria: GeneDx Variant Classification Process June 2021. Collection method: clinical testing. Allele origin: germline. Affected: yes.

Laboratory for Molecular Medicine, Mass General Brigham Personalized Medicine
Classification: Likely benign. Last evaluated: 2017-08-23. Review status: criteria provided, single submitter. Criteria: LMM Criteria. Collection method: clinical testing. Allele origin: germline. Observed: 1 variant allele.
Comment: p.Gly329Arg in exon 5 of CLIC5: This variant is not expected to have clinical significance because it has been identified in 0.58% (60/10404) of African chromosomes by the Exome Aggregation Consortium (ExAC; dbSNP rs114149334).

PreventionGenetics, part of Exact Sciences
Classification: Likely benign for CLIC5-related condition. Last evaluated: 2020-12-21. Review status: no assertion criteria provided. Collection method: clinical testing. Allele origin: germline. Not counted in ClinVar's aggregate classification.
Comment: This variant is classified as likely benign based on ACMG/AMP sequence variant interpretation guidelines (Richards et al. 2015 PMID: 25741868, with internal and published modifications).

NM_016929.5(CLIC5):c.508G>C (p.Gly170Arg)

Gene: CLIC5 (CLIC family member 5; minus strand). Cytogenetic location: 6p21.1.
Variant type: single nucleotide variant.
Coding change: c.508G>C on transcript NM_016929.5 (MANE Select); coding-DNA position 508, G replaced by C.
Protein change: p.Gly170Arg; replaces glycine 170 with arginine.
Molecular consequence: missense variant. On other transcripts: non-coding transcript variant (3).
Genome position (GRCh38, 1-based): chr6:45,914,308, C>G on the plus strand (G>C on the coding strand, the complement: CLIC5 is on the minus strand). VCF-style: chr6-45914308-C-G. GRCh37 (hg19) VCF-style: chr6-45882045-C-G.
Other names: c.985G>C, p.Gly329Arg (NM_001114086.2, NM_001370650.1); c.508G>C, p.Gly170Arg (NM_001256023.2); c.391G>C, p.Gly131Arg (NM_001370649.1); short protein forms G329R, G131R, G170R.
Identifiers: ClinVar variation 720648 (VCV000720648.34), dbSNP rs114149334, ClinGen allele CA3836755.